The following is an entry in ClinVar:

ClinVar aggregate classification (germline): Uncertain significance (1 of 4 stars; one submission).

Allele frequency attached by ClinVar (database versions not stated): gnomAD exomes below 0.00001; ExAC 0.00001.
gnomAD v4.1: 5 of 1,614,240 alleles (0.00031%); highest among the groups gnomAD compares: Non-Finnish European, 0.00042%; no homozygotes.

Submission:

Labcorp Genetics (formerly Invitae), Labcorp
Classification: Uncertain significance. Last evaluated: 2022-05-16. Review status: criteria provided, single submitter. Criteria: Invitae Variant Classification Sherloc (09022015). Collection method: clinical testing. Allele origin: germline.
Comment: This sequence change replaces aspartic acid, which is acidic and polar, with asparagine, which is neutral and polar, at codon 390 of the SNRNP200 protein (p.Asp390Asn). In summary, the available evidence is currently insufficient to determine the role of this variant in disease. Therefore, it has been classified as a Variant of Uncertain Significance. Algorithms developed to predict the effect of missense changes on protein structure and function (SIFT, PolyPhen-2, Align-GVGD) all suggest that this variant is likely to be tolerated. This variant has not been reported in the literature in individuals affected with SNRNP200-related conditions. This variant is present in population databases (rs780457370, gnomAD 0.0009%).

NM_014014.5(SNRNP200):c.1168G>A (p.Asp390Asn)

Gene: SNRNP200 (small nuclear ribonucleoprotein U5 subunit 200; minus strand). Cytogenetic location: 2q11.2.
Variant type: single nucleotide variant.
Coding change: c.1168G>A on transcript NM_014014.5 (MANE Select); coding-DNA position 1168, G replaced by A.
Protein change: p.Asp390Asn; replaces aspartic acid 390 with asparagine.
Molecular consequence: missense variant.
Genome position (GRCh38, 1-based): chr2:96,297,672, C>T on the plus strand (G>A on the coding strand, the complement: SNRNP200 is on the minus strand). VCF-style: chr2-96297672-C-T. GRCh37 (hg19) VCF-style: chr2-96963410-C-T.
Other names: short protein forms D390N.
Identifiers: ClinVar variation 1927135 (VCV001927135.5), dbSNP rs780457370, ClinGen allele CA1778987.
Genomic context (GRCh38, chr2:96,297,672, plus strand): 5'-GGAAATAAATCGCCCTGGATCCTACCTCTCCACCCTGGTCGAGATCCATGGTTTCCAGAT[C>T]TGTGTCCATTCGAGACTGACGCACTCGCTCTCTCCGGGACCTTTCCTCCTGTAGTGGACA-3'
Protein context (NP_054733.2, residues 380-400): ERVRQSRMDT[Asp390Asn]LETMDLDQGG